The following is an entry in ClinVar:

ClinVar aggregate classification (germline): other (0 of 4 stars; one submission).

Conditions:
Familial colorectal cancer. Identifiers: MedGen CN280943, MONDO:0023113. Disease mechanism: loss of function.

Submission:

Systems Biology Platform Zhejiang California International NanoSystems Institute
Classification: other for Familial colorectal cancer. Review status: no assertion criteria provided. Collection method: not provided. Allele origin: unknown.
ClinVar note: Converted during submission from cancer to other.

NM_000038.6(APC):c.-19+3876G>C

Gene: APC (APC regulator of WNT signaling pathway; plus strand). Cytogenetic location: 5q22.2.
Variant type: single nucleotide variant.
Coding change: c.-19+3876G>C on transcript NM_000038.6 (MANE Select); 3876 bases into the intron after 19 bases upstream of the start codon, G replaced by C.
Molecular consequence: intron variant.
Genome position (GRCh38, 1-based): chr5:112,741,801, G>C. VCF-style: chr5-112741801-G-C. GRCh37 (hg19) VCF-style: chr5-112077498-G-C.
Other names: c.-18-13072G>C (NM_001354895.2); c.166-24525G>C (NM_001354897.2, NM_001354902.2, NM_001127511.3); c.-19+3341G>C (NM_001127510.3); c.60+3341G>C (NM_001354898.2, NM_001354904.2); c.-1054+3876G>C (NM_001354906.2); c.-19+3876G>C (NM_001354896.2, NM_001354903.2, NM_001354899.2); c.-43+3876G>C (NM_001354900.2, NM_001354901.2, NM_001354905.2).
Identifiers: ClinVar variation 82758 (VCV000082758.2), dbSNP rs80011470, ClinGen allele CA006463.